The following is an entry in ClinVar:

ClinVar aggregate classification (germline): Uncertain significance (1 of 4 stars; one submission).

Allele frequency attached by ClinVar (database versions not stated): gnomAD exomes below 0.00001; ExAC 0.00001.
gnomAD v4.1: 1 of 1,595,760 alleles (0.000063%); highest among the groups gnomAD compares: South Asian, 0.0011%; no homozygotes.

Submission:

Labcorp Genetics (formerly Invitae), Labcorp
Classification: Uncertain significance. Last evaluated: 2021-09-02. Review status: criteria provided, single submitter. Criteria: Invitae Variant Classification Sherloc (09022015). Collection method: clinical testing. Allele origin: germline.
Comment: This variant is present in population databases (rs777903493, ExAC 0.008%). This sequence change results in a premature translational stop signal in the ZNF408 gene (p.Tyr353*). While this is not anticipated to result in nonsense mediated decay, it is expected to disrupt the last 368 amino acids of the ZNF408 protein. In summary, the available evidence is currently insufficient to determine the role of this variant in disease. Therefore, it has been classified as a Variant of Uncertain Significance. This variant has not been reported in the literature in individuals with ZNF408-related conditions.

NM_024741.3(ZNF408):c.1059C>G (p.Tyr353Ter)

Gene: ZNF408 (zinc finger protein 408; plus strand). Cytogenetic location: 11p11.2.
Variant type: single nucleotide variant.
Coding change: c.1059C>G on transcript NM_024741.3 (MANE Select); coding-DNA position 1059, C replaced by G.
Protein change: p.Tyr353Ter; replaces tyrosine 353 with a stop codon.
Molecular consequence: nonsense.
Genome position (GRCh38, 1-based): chr11:46,704,759, C>G. VCF-style: chr11-46704759-C-G. GRCh37 (hg19) VCF-style: chr11-46726309-C-G.
Other names: c.1035C>G, p.Tyr345Ter (NM_001184751.2); short protein forms Y353*, Y345*.
Identifiers: ClinVar variation 844033 (VCV000844033.7), dbSNP rs777903493, ClinGen allele CA5966488.